The following is an entry in ClinVar:

NM_004937.3(CTNS):c.141-24T>C

Gene: CTNS (cystinosin, lysosomal cystine transporter; plus strand). Cytogenetic location: 17p13.2.
Variant type: single nucleotide variant.
Coding change: c.141-24T>C on transcript NM_004937.3 (MANE Select); 24 bases into the intron before coding-DNA position 141, T replaced by C.
Molecular consequence: intron variant.
Genome position (GRCh38, 1-based): chr17:3,648,823, T>C. VCF-style: chr17-3648823-T-C. GRCh37 (hg19) VCF-style: chr17-3552117-T-C.
Other names: c.141-24T>C (NM_001031681.3, NM_001374492.1); c.-217+1301T>C (NM_001374493.1, NM_001374496.1); c.-216-6175T>C (NM_001374495.1); c.-301-24T>C (NM_001374494.1).
Identifiers: ClinVar variation 2194886 (VCV002194886.5), dbSNP rs2507696018, ClinGen allele CA2580093509.

ClinVar aggregate classification (germline): Pathogenic. Review status: criteria provided, multiple submitters, no conflicts (2 of 4 stars). 2 submissions from 2 submitters: Pathogenic (2). Last evaluated 2025-05-05.

Conditions:
Nephropathic cystinosis (CTNS). Also called: CYSTINOSIN, DEFECT OF; LYSOSOMAL CYSTINE TRANSPORT PROTEIN, DEFECT OF; Abderhalden Lignac Kaufmann disease; Abderhalden-Kaufmann-Lignac syndrome. Identifiers: Orphanet 213, Orphanet 411629, MedGen C2931187, MONDO:0100151, OMIM 219800.
Inborn genetic diseases. Identifiers: MedGen C0950123, MeSH D030342.
Ocular cystinosis. Also called: Non-Nephropathic Cystinosis; Non-Nephropathic (Ocular) Cystinosis. Identifiers: Orphanet 213, Orphanet 411641, MedGen C2931013, MONDO:0009064, OMIM 219750.
Juvenile nephropathic cystinosis. Also called: Intermediate Cystinosis; CYSTINOSIS, LATE-ONSET JUVENILE OR ADOLESCENT NEPHROPATHIC TYPE; Later-Onset (Juvenile) Cystinosis. Identifiers: Orphanet 213, Orphanet 411634, MedGen C0268626, MONDO:0009066, OMIM 219900.

Allele frequency attached by ClinVar (database versions not stated): gnomAD exomes below 0.00001.
gnomAD v4.1: 1 of 1,584,494 alleles (0.000063%); highest among the groups gnomAD compares: Non-Finnish European, 0.000087%; no homozygotes.

Submissions (2):

Labcorp Genetics (formerly Invitae), Labcorp
Classification: Pathogenic for Inborn genetic diseases; Ocular cystinosis; Juvenile nephropathic cystinosis. Last evaluated: 2025-05-05. Review status: criteria provided, single submitter. Criteria: Invitae Variant Classification Sherloc (09022015). Collection method: clinical testing. Allele origin: germline.
Comment: This sequence change falls in intron 4 of the CTNS gene. It does not directly change the encoded amino acid sequence of the CTNS protein. RNA analysis indicates that this variant induces altered splicing and may result in an absent or altered protein product. This variant is not present in population databases (gnomAD no frequency). This variant has been observed in individual(s) with nephropathic cystinosis (PMID: 20352457, 28405942). In at least one individual the data is consistent with being in trans (on the opposite chromosome) from a pathogenic variant. It has also been observed to segregate with disease in related individuals. ClinVar contains an entry for this variant (Variation ID: 2194886). Studies have shown that this variant results in skipping of exon 5, and produces a non-functional protein and/or introduces a premature termination codon (PMID: 20352457). For these reasons, this variant has been classified as Pathogenic.

Women's Health and Genetics/Laboratory Corporation of America, LabCorp
Classification: Pathogenic for Nephropathic cystinosis. Last evaluated: 2024-11-11. Review status: criteria provided, single submitter. Criteria: LabCorp Variant Classification Summary - May 2015. Collection method: clinical testing. Allele origin: germline.
Comment: Variant summary: CTNS c.141-24T>C is located at a position not widely known to affect splicing. Consensus agreement among computation tools predict no significant impact on normal splicing. At least one publication reports experimental evidence that this variant affects mRNA splicing, resulting in skipping of exon 5 expected to cause nonsense mediated decay (example, Taranta_2010). The variant was absent in 251412 control chromosomes. c.141-24T>C has been reported in the literature in trans with the common pathogenic 57kb deletion in 2 siblings affected with Nephropathic cystinosis (example, Taranta_2010). These data indicate the variant is very likely associated with disease. The following publication has been ascertained in the context of this evaluation (PMID: 20352457). ClinVar contains an entry for this variant (Variation ID: 2194886). Based on the evidence outlined above, the variant was classified as pathogenic.

Literature cited by the submitters: PubMed 20352457 (cited by Labcorp Genetics (formerly Invitae), Labcorp and Women's Health and Genetics/Laboratory Corporation of America, LabCorp); PubMed 28405942 (cited by Labcorp Genetics (formerly Invitae), Labcorp).